The following is an entry in ClinVar:

ClinVar aggregate classification (germline): Uncertain significance (1 of 4 stars; one submission).

Conditions:
Ataxia-telangiectasia-like disorder (ATLD). Identifiers: MedGen C1858391, MONDO:0011457.

Submission:

Labcorp Genetics (formerly Invitae), Labcorp
Classification: Uncertain significance for Ataxia-telangiectasia-like disorder. Last evaluated: 2020-02-13. Review status: criteria provided, single submitter. Criteria: Invitae Variant Classification Sherloc (09022015). Collection method: clinical testing. Allele origin: germline.
Comment: This sequence change replaces serine with glycine at codon 95 of the MRE11 protein (p.Ser95Gly). The serine residue is highly conserved and there is a small physicochemical difference between serine and glycine. This variant is not present in population databases (ExAC no frequency). This variant has not been reported in the literature in individuals with MRE11-related conditions. Algorithms developed to predict the effect of missense changes on protein structure and function (SIFT, PolyPhen-2, Align-GVGD) all suggest that this variant is likely to be disruptive, but these predictions have not been confirmed by published functional studies and their clinical significance is uncertain. In summary, the available evidence is currently insufficient to determine the role of this variant in disease. Therefore, it has been classified as a Variant of Uncertain Significance.

NM_005591.4(MRE11):c.283A>G (p.Ser95Gly)

Gene: MRE11 (MRE11 double strand break repair nuclease; minus strand). Cytogenetic location: 11q21.
Variant type: single nucleotide variant.
Coding change: c.283A>G on transcript NM_005591.4 (MANE Select); coding-DNA position 283, A replaced by G.
Protein change: p.Ser95Gly; replaces serine 95 with glycine.
Molecular consequence: missense variant.
Genome position (GRCh38, 1-based): chr11:94,485,955, T>C on the plus strand (A>G on the coding strand, the complement: MRE11 is on the minus strand). VCF-style: chr11-94485955-T-C. GRCh37 (hg19) VCF-style: chr11-94219121-T-C.
Other names: c.283A>G, p.Ser95Gly (NM_001330347.2, NM_005590.4); short protein forms S95G.
Identifiers: ClinVar variation 1022126 (VCV001022126.9), dbSNP rs1947130450, ClinGen allele CA382379475.